The following is an entry in ClinVar:

NM_198253.3(TERT):c.2752del (p.Ala918fs)

Gene: TERT (telomerase reverse transcriptase; minus strand). Cytogenetic location: 5p15.33.
Variant type: Deletion.
Coding change: c.2752del on transcript NM_198253.3 (MANE Select); coding-DNA position 2752, one base deleted (G; older notation c.2752delG).
Protein change: p.Ala918fs; shifts the reading frame from alanine 918.
Molecular consequence: frameshift variant. On other transcripts: intron variant (1).
Genome position (GRCh38, 1-based): chr5:1,264,495, C deleted on the plus strand (G on the coding strand, the reverse complement: TERT is on the minus strand); the first of 2 consecutive C bases (chr5:1,264,495-1,264,496); deleting either gives the same sequence. VCF-style (leftmost placement, unchanged base first): chr5-1264494-GC-G. GRCh37 (hg19) VCF-style: chr5-1264609-GC-G.
Other names: c.2751delG, p.Ala918Leufs (NM_003219.1); c.2654+1969del (NM_001193376.3); short protein forms A918fs.
Identifiers: ClinVar variation 2948878 (VCV002948878.3), dbSNP rs1748456663, ClinGen allele CA1522543445.
Genomic context (GRCh38, chr5:1,264,494, plus strand): 5'-CGGGTATCCAGCAGCAGGCCGCACCAGGGGAATAGGCCGTGGGCCGGCATCTGAACAAAA[GC>G]CGTGCCACCCAGGGCCTCGTCTTCTACAGGGAAGTTCACCACTGTCTTCCGCAAGTTCAC-3'

ClinVar aggregate classification (germline): Pathogenic (1 of 4 stars; one submission).

Conditions:
Idiopathic Pulmonary Fibrosis. Also called: Idiopathic fibrosing alveolitis, chronic form; idiopathic fibrosing alveolitis. Identifiers: Orphanet 2032, MedGen C1800706, MeSH D054990, MONDO:0800504.
Dyskeratosis congenita, autosomal dominant 2. Identifiers: MedGen C3151443, MONDO:0013521, OMIM 613989.

Submission:

Labcorp Genetics (formerly Invitae), Labcorp
Classification: Pathogenic for Dyskeratosis congenita, autosomal dominant 2; Idiopathic Pulmonary Fibrosis. Last evaluated: 2023-06-15. Review status: criteria provided, single submitter. Criteria: Invitae Variant Classification Sherloc (09022015). Collection method: clinical testing. Allele origin: germline.
Comment: This sequence change creates a premature translational stop signal (p.Ala918Leufs*63) in the TERT gene. It is expected to result in an absent or disrupted protein product. Loss-of-function variants in TERT are known to be pathogenic (PMID: 16247010, 17460043). This variant is not present in population databases (gnomAD no frequency). This variant has not been reported in the literature in individuals affected with TERT-related conditions. For these reasons, this variant has been classified as Pathogenic.

Literature cited by the submitters: PubMed 16247010; PubMed 17460043.